The following is an entry in ClinVar:

NM_000180.4(GUCY2D):c.1428G>A (p.Met476Ile)

Gene: GUCY2D (guanylate cyclase 2D, retinal; plus strand). Cytogenetic location: 17p13.1.
Variant type: single nucleotide variant.
Coding change: c.1428G>A on transcript NM_000180.4 (MANE Select); coding-DNA position 1428, G replaced by A.
Protein change: p.Met476Ile; replaces methionine 476 with isoleucine.
Molecular consequence: missense variant.
Genome position (GRCh38, 1-based): chr17:8,007,109, G>A. VCF-style: chr17-8007109-G-A. GRCh37 (hg19) VCF-style: chr17-7910427-G-A.
Other names: short protein forms M476I.
Identifiers: ClinVar variation 4793522 (VCV004793522.1).

ClinVar aggregate classification (germline): Uncertain significance (1 of 4 stars; one submission).

Conditions:
Leber congenital amaurosis 1 (LCA1). Also called: RETINAL BLINDNESS, CONGENITAL; Congenital absence of the rods and cones; Leber's congenital tapetoretinal degeneration; Leber's congenital tapetoretinal dysplasia; AMAUROSIS CONGENITA OF LEBER I. Identifiers: Orphanet 65, MedGen C2931258, MONDO:0008764, OMIM 204000.
Cone-rod dystrophy 6 (CORD6). Also called: RETINAL CONE DYSTROPHY 2; Cone dystrophy progressive. Identifiers: Orphanet 1872, MedGen C1866293, MONDO:0011143, OMIM 601777.

Submission:

Labcorp Genetics (formerly Invitae), Labcorp
Classification: Uncertain significance for Leber congenital amaurosis 1; Cone-rod dystrophy 6. Last evaluated: 2025-05-08. Review status: criteria provided, single submitter. Criteria: Invitae Variant Classification Sherloc (09022015). Collection method: clinical testing. Allele origin: germline.
Comment: This sequence change replaces methionine, which is neutral and non-polar, with isoleucine, which is neutral and non-polar, at codon 476 of the GUCY2D protein (p.Met476Ile). This variant is not present in population databases (gnomAD no frequency). This variant has not been reported in the literature in individuals affected with GUCY2D-related conditions. Invitae Evidence Modeling of protein sequence and biophysical properties (such as structural, functional, and spatial information, amino acid conservation, physicochemical variation, residue mobility, and thermodynamic stability) indicates that this missense variant is not expected to disrupt GUCY2D protein function with a negative predictive value of 80%. In summary, the available evidence is currently insufficient to determine the role of this variant in disease. Therefore, it has been classified as a Variant of Uncertain Significance.